The following is an entry in ClinVar:

ClinVar aggregate classification (germline): Pathogenic (1 of 4 stars; one submission).

Submission:

Labcorp Genetics (formerly Invitae), Labcorp
Classification: Pathogenic. Last evaluated: 2024-02-24. Review status: criteria provided, single submitter. Criteria: Invitae Variant Classification Sherloc (09022015). Collection method: clinical testing. Allele origin: germline.
Comment: This sequence change creates a premature translational stop signal (p.Thr2630Leufs*52) in the EYS gene. It is expected to result in an absent or disrupted protein product. Loss-of-function variants in EYS are known to be pathogenic (PMID: 18836446, 20333770). This variant is not present in population databases (gnomAD no frequency). This variant has not been reported in the literature in individuals affected with EYS-related conditions. ClinVar contains an entry for this variant (Variation ID: 1403927). For these reasons, this variant has been classified as Pathogenic.

Literature cited by the submitters: PubMed 18836446; PubMed 20333770.

NM_001142800.2(EYS):c.7888del (p.Thr2630fs)

Gene: EYS (EGF-like photoreceptor maintenance factor; minus strand). Cytogenetic location: 6q12.
Variant type: Deletion.
Coding change: c.7888del on transcript NM_001142800.2 (MANE Select); coding-DNA position 7888, one base deleted (A; older notation c.7888delA).
Protein change: p.Thr2630fs; shifts the reading frame from threonine 2630.
Molecular consequence: frameshift variant.
Genome position (GRCh38, 1-based): chr6:63,778,016, T deleted on the plus strand (A on the coding strand, the reverse complement: EYS is on the minus strand); the first of 2 consecutive T bases (chr6:63,778,016-63,778,017); deleting either gives the same sequence. VCF-style (leftmost placement, unchanged base first): chr6-63778015-GT-G. GRCh37 (hg19) VCF-style: chr6-64487908-GT-G.
Other names: c.7888del, p.Thr2630fs (NM_001292009.2); short protein forms T2630fs.
Identifiers: ClinVar variation 1403927 (VCV001403927.6), dbSNP rs2149664241, ClinGen allele CA2573141109.